The following is an entry in ClinVar:

ClinVar aggregate classification (germline): Benign. Review status: criteria provided, multiple submitters, no conflicts (2 of 4 stars). 3 submissions from 3 submitters: Benign (2). 1 of the submissions does not count toward it. Last evaluated 2026-02-04.

Conditions:
SUCO-related disorder. Also called: SUCO-related condition.

Allele frequency attached by ClinVar (database versions not stated): 1000 Genomes Project 0.03435; 1000 Genomes Project 30x 0.03576; TOPMed 0.06456; gnomAD 0.06638 and 0.06738; ExAC 0.06744; gnomAD exomes 0.06901 and 0.08657; ESP Exome Variant Server 0.07200.
gnomAD v4.1: 136,355 of 1,613,540 alleles (8.5%); highest among the groups gnomAD compares: Middle Eastern, 12%; 6,514 homozygotes.

Submissions (3):

Labcorp Genetics (formerly Invitae), Labcorp
Classification: Benign. Last evaluated: 2026-02-04. Review status: criteria provided, single submitter. Criteria: Invitae Variant Classification Sherloc (09022015). Collection method: clinical testing. Allele origin: germline.

Breakthrough Genomics
Classification: Benign. Review status: criteria provided, single submitter. Criteria: ACMG Guidelines, 2015. Collection method: not provided. Allele origin: germline. Inheritance: Unknown mechanism. Affected: yes.

PreventionGenetics, part of Exact Sciences
Classification: Benign for SUCO-related condition. Last evaluated: 2024-05-16. Review status: no assertion criteria provided. Collection method: clinical testing. Allele origin: germline. Not counted in ClinVar's aggregate classification.
Comment: This variant is classified as benign based on ACMG/AMP sequence variant interpretation guidelines (Richards et al. 2015 PMID: 25741868, with internal and published modifications).

NM_014283.5(SUCO):c.2283A>G (p.Pro761=)

Gene: SUCO (SUN domain containing ossification factor; plus strand). Cytogenetic location: 1q24.3.
Variant type: single nucleotide variant.
Coding change: c.2283A>G on transcript NM_014283.5 (MANE Select); coding-DNA position 2283, A replaced by G.
Protein change: p.Pro761=; no amino-acid change (proline 761 retained).
Molecular consequence: synonymous variant. On other transcripts: intron variant (1).
Genome position (GRCh38, 1-based): chr1:172,589,384, A>G. VCF-style: chr1-172589384-A-G. GRCh37 (hg19) VCF-style: chr1-172558524-A-G.
Other names: c.594A>G, p.Pro198= (NM_001282751.2); c.2736A>G, p.Pro912= (NM_016227.4); c.1712+460A>G (NM_001282750.2); c.2736A>G (NM_016227.3).
Identifiers: ClinVar variation 1596311 (VCV001596311.11), dbSNP rs41264546, ClinGen allele CA1247056.